The following is an entry in ClinVar:

ClinVar aggregate classification (germline): Uncertain significance (1 of 4 stars; one submission).

Conditions:
Adams-Oliver syndrome 5 (AOS5). Identifiers: Orphanet 974, MedGen C4014970, MONDO:0014459, OMIM 616028.

Submission:

Labcorp Genetics (formerly Invitae), Labcorp
Classification: Uncertain significance for Adams-Oliver syndrome 5. Last evaluated: 2025-11-12. Review status: criteria provided, single submitter. Criteria: Invitae Variant Classification Sherloc (09022015). Collection method: clinical testing. Allele origin: germline.
Comment: This sequence change replaces tryptophan, which is neutral and slightly polar, with serine, which is neutral and polar, at codon 287 of the NOTCH1 protein (p.Trp287Ser). This variant is not present in population databases (gnomAD no frequency). This variant has not been reported in the literature in individuals affected with NOTCH1-related conditions. An algorithm developed to predict the effect of missense changes on protein structure and function (PolyPhen-2) suggests that this variant is likely to be disruptive. In summary, the available evidence is currently insufficient to determine the role of this variant in disease. Therefore, it has been classified as a Variant of Uncertain Significance.

NM_017617.5(NOTCH1):c.860G>C (p.Trp287Ser)

Gene: NOTCH1 (notch receptor 1; minus strand). Cytogenetic location: 9q34.3.
Variant type: single nucleotide variant.
Coding change: c.860G>C on transcript NM_017617.5 (MANE Select); coding-DNA position 860, G replaced by C.
Protein change: p.Trp287Ser; replaces tryptophan 287 with serine.
Molecular consequence: missense variant.
Genome position (GRCh38, 1-based): chr9:136,519,448, C>G on the plus strand (G>C on the coding strand, the complement: NOTCH1 is on the minus strand). VCF-style: chr9-136519448-C-G. GRCh37 (hg19) VCF-style: chr9-139413900-C-G.
Other names: short protein forms W287S.
Identifiers: ClinVar variation 4779542 (VCV004779542.1).